The following is an entry in ClinVar:

ClinVar aggregate classification (germline): Uncertain significance (1 of 4 stars; one submission).

Conditions:
Inborn genetic diseases. Identifiers: MedGen C0950123, MeSH D030342.

Submission:

Ambry Genetics
Classification: Uncertain significance for Inborn genetic diseases. Last evaluated: 2026-04-30. Review status: criteria provided, single submitter. Criteria: Ambry Variant Classification Scheme 2023. Collection method: clinical testing. Allele origin: germline.
Comment: The p.G1381V variant (also known as c.4142G>T), located in coding exon 41 of the FANCA gene, results from a G to T substitution at nucleotide position 4142. The glycine at codon 1381 is replaced by valine, an amino acid with dissimilar properties. This amino acid position is conserved. In addition, this alteration is predicted to be tolerated by in silico analysis. Based on the available evidence, the clinical significance of this variant remains unclear.

NM_000135.4(FANCA):c.4142G>T (p.Gly1381Val)

Genes: FANCA (FA complementation group A; minus strand), ZNF276 (zinc finger protein 276; plus strand). Cytogenetic location: 16q24.3.
Variant type: single nucleotide variant.
Coding change: c.4142G>T on transcript NM_000135.4 (MANE Select); coding-DNA position 4142, G replaced by T.
Protein change: p.Gly1381Val; replaces glycine 1381 with valine.
Molecular consequence: missense variant. On other transcripts: 3 prime UTR variant (2), non-coding transcript variant (4).
Genome position (GRCh38, 1-based): chr16:89,739,158, C>A on the plus strand (G>T on the coding strand, the complement: FANCA is on the minus strand). VCF-style: chr16-89739158-C-A. GRCh37 (hg19) VCF-style: chr16-89805566-C-A.
Other names: c.4142G>T, p.Gly1381Val (NM_001286167.3); c.*912C>A (NM_001113525.2, NM_152287.4); short protein forms G1381V.
Identifiers: ClinVar variation 4870856 (VCV004870856.1).